The following is an entry in ClinVar:

ClinVar aggregate classification (germline): Uncertain significance (1 of 4 stars; one submission).

Submission:

GeneDx
Classification: Uncertain significance. Last evaluated: 2024-07-17. Review status: criteria provided, single submitter. Criteria: GeneDx Variant Classification Process June 2021. Collection method: clinical testing. Allele origin: germline. Affected: yes.
Comment: Not observed at significant frequency in large population cohorts (gnomAD); In silico analysis supports that this missense variant has a deleterious effect on protein structure/function; Has not been previously published as pathogenic or benign to our knowledge

NM_001130021.3(ATP6V0A1):c.1354T>G (p.Leu452Val)

Gene: ATP6V0A1 (ATPase H+ transporting V0 subunit a1; plus strand). Cytogenetic location: 17q21.2.
Variant type: single nucleotide variant.
Coding change: c.1354T>G on transcript NM_001130021.3 (MANE Select); coding-DNA position 1354, T replaced by G.
Protein change: p.Leu452Val; replaces leucine 452 with valine.
Molecular consequence: missense variant. On other transcripts: intron variant (1).
Genome position (GRCh38, 1-based): chr17:42,495,073, T>G. VCF-style: chr17-42495073-T-G. GRCh37 (hg19) VCF-style: chr17-40647091-T-G.
Other names: c.1375T>G, p.Leu459Val (NM_001130020.3, NM_001378522.1, NM_001378523.1 and 3 more transcripts); c.1477T>G, p.Leu493Val (NM_001378530.1, NM_001378533.1, NM_001378551.1 and 1 more transcripts); c.1498T>G, p.Leu500Val (NM_001378531.1, NM_001378532.1); c.1354T>G, p.Leu452Val (NM_001378535.1, NM_001378537.1, NM_001378542.1 and 3 more transcripts); c.1246T>G, p.Leu416Val (NM_001378536.1, NM_001378550.1, NM_001378556.1); c.1225T>G, p.Leu409Val (NM_001378538.1, NM_001378540.1); c.1195T>G, p.Leu399Val (NM_001378543.1); c.1144T>G, p.Leu382Val (NM_001378545.1, NM_001378554.1); and 3 more; short protein forms L381V, L382V, L392V, L399V, L409V, L416V, L452V, L459V.
Identifiers: ClinVar variation 3573864 (VCV003573864.1).